The following is an entry in ClinVar:

ClinVar aggregate classification (germline): Conflicting classifications of pathogenicity. Review status: criteria provided, conflicting classifications (1 of 4 stars). 4 submissions from 4 submitters: Uncertain significance (3); Likely benign (1). Last evaluated 2026-01-13.

Conditions:
Hereditary cancer-predisposing syndrome. Also called: Hereditary neoplastic syndrome; Tumor predisposition; Neoplastic Syndromes, Hereditary; Hereditary Cancer Syndrome. Identifiers: Orphanet 140162, MedGen C0027672, MeSH D009386, MONDO:0015356.
Oligodontia-cancer predisposition syndrome. Also called: TOOTH AGENESIS-COLORECTAL CANCER SYNDROME. Identifiers: Orphanet 300576, MedGen C1837750, MONDO:0012075, OMIM 608615. Disease mechanism: loss of function.

Allele frequency attached by ClinVar (database versions not stated): gnomAD exomes 0.00001 and 0.00002; ExAC 0.00005.

Submissions (4):

Labcorp Genetics (formerly Invitae), Labcorp
Classification: Uncertain significance for Oligodontia-cancer predisposition syndrome. Last evaluated: 2026-01-13. Review status: criteria provided, single submitter. Criteria: Invitae Variant Classification Sherloc (09022015). Collection method: clinical testing. Allele origin: germline.
Comment: This sequence change replaces proline, which is neutral and non-polar, with serine, which is neutral and polar, at codon 282 of the AXIN2 protein (p.Pro282Ser). This variant is present in population databases (rs780143881, gnomAD 0.02%). This variant has not been reported in the literature in individuals affected with AXIN2-related conditions. ClinVar contains an entry for this variant (Variation ID: 419420). Invitae Evidence Modeling of protein sequence and biophysical properties (such as structural, functional, and spatial information, amino acid conservation, physicochemical variation, residue mobility, and thermodynamic stability) indicates that this missense variant is not expected to disrupt AXIN2 protein function with a negative predictive value of 80%. In summary, the available evidence is currently insufficient to determine the role of this variant in disease. Therefore, it has been classified as a Variant of Uncertain Significance.

Ambry Genetics
Classification: Likely benign for Hereditary cancer-predisposing syndrome. Last evaluated: 2024-12-14. Review status: criteria provided, single submitter. Criteria: Ambry Variant Classification Scheme 2023. Collection method: clinical testing. Allele origin: germline.

GeneDx
Classification: Uncertain significance. Last evaluated: 2022-09-16. Review status: criteria provided, single submitter. Criteria: GeneDx Variant Classification Process June 2021. Collection method: clinical testing. Allele origin: germline. Affected: yes.
Comment: In silico analysis, which includes protein predictors and evolutionary conservation, supports a deleterious effect; Has not been previously published as pathogenic or benign to our knowledge

Baylor Genetics
Classification: Uncertain significance for Oligodontia-cancer predisposition syndrome. Last evaluated: 2021-01-06. Review status: criteria provided, single submitter. Criteria: ACMG Guidelines, 2015. Collection method: clinical testing. Allele origin: paternal. Affected: yes. Study: CSER-TexasKidsCanSeq.
Comment: This variant was determined to be of uncertain significance according to ACMG Guidelines, 2015 [PMID:25741868].

NM_004655.4(AXIN2):c.844C>T (p.Pro282Ser)

Gene: AXIN2 (axin 2; minus strand). Cytogenetic location: 17q24.1.
Variant type: single nucleotide variant.
Coding change: c.844C>T on transcript NM_004655.4 (MANE Select); coding-DNA position 844, C replaced by T.
Protein change: p.Pro282Ser; replaces proline 282 with serine.
Molecular consequence: missense variant.
Genome position (GRCh38, 1-based): chr17:65,549,632, G>A on the plus strand (C>T on the coding strand, the complement: AXIN2 is on the minus strand). VCF-style: chr17-65549632-G-A. GRCh37 (hg19) VCF-style: chr17-63545750-G-A.
Other names: c.844C>T, p.Pro282Ser (NM_001363813.1); c.844C>T (LRG_296t1); short protein forms P282S.
Identifiers: ClinVar variation 419420 (VCV000419420.14), dbSNP rs780143881, ClinGen allele CA8718962.
Genomic context (GRCh38, chr17:65,549,632, plus strand): 5'-TCTCACTGTCGTTGGCGCTGGTGGCTGGTGCAAAGACATAGCCAGAACCTATGTGATAAG[G>A]ATTAACAGGATCGCTCCTCTTGAAGGACCTATGGGCAAAGTACAAAAGTGGTTCAGTCAC-3'
Protein context (NP_004646.3, residues 272-292): RSFKRSDPVN[Pro282Ser]YHIGSGYVFA